The following is an entry in ClinVar:

NM_021120.4(DLG3):c.-5G>T

Gene: DLG3 (discs large MAGUK scaffold protein 3; plus strand). Cytogenetic location: Xq13.1.
Variant type: single nucleotide variant.
Coding change: c.-5G>T on transcript NM_021120.4 (MANE Select); 5 bases upstream of the start codon, G replaced by T.
Molecular consequence: 5 prime UTR variant.
Genome position (GRCh38, 1-based): chrX:70,445,197, G>T. VCF-style: chrX-70445197-G-T. GRCh37 (hg19) VCF-style: chrX-69665047-G-T.
Identifiers: ClinVar variation 4278760 (VCV004278760.1).

ClinVar aggregate classification (germline): Uncertain significance (1 of 4 stars; one submission).

Submission:

GeneDx
Classification: Uncertain significance. Last evaluated: 2025-04-02. Review status: criteria provided, single submitter. Criteria: GeneDx Variant Classification Process June 2021. Collection method: clinical testing. Allele origin: germline. Affected: yes.
Comment: Alters the Kozak sequence, which plays a major role in the initiation of translation; Not observed at significant frequency in large population cohorts (gnomAD); Has not been previously published as pathogenic or benign to our knowledge